The following is an entry in ClinVar:

ClinVar aggregate classification (germline): Uncertain significance (1 of 4 stars; one submission).

Submission:

Ambry Genetics
Classification: Uncertain significance. Last evaluated: 2026-03-25. Review status: criteria provided, single submitter. Criteria: Ambry Variant Classification Scheme 2023. Collection method: clinical testing. Allele origin: germline.
Comment: The c.4355dupC variant, located in coding exon 12 of the MLH3 gene, results from a duplication of C at nucleotide position 4355, causing a translational frameshift with a predicted alternate stop codon (p.P1453Tfs*9). This variant occurs at the 3' terminus of the gene, is not expected to trigger nonsense-mediated mRNAdecay and results in the elongation of the protein by 7 amino acids. This frameshift impacts the last amino acid of the native protein. The exact functional effect of the altered amino acids is unknown. Based on the available evidence, the clinical significance of this variant remains unclear.

NM_001040108.2(MLH3):c.4355dup (p.Pro1453fs)

Gene: MLH3 (mutL homolog 3; minus strand). Cytogenetic location: 14q24.3.
Variant type: Duplication.
Coding change: c.4355dup on transcript NM_001040108.2 (MANE Select); coding-DNA position 4355, one base duplicated (C; older notation c.4355dupC).
Protein change: p.Pro1453fs; shifts the reading frame from proline 1453.
Molecular consequence: frameshift variant.
Genome position (GRCh38, 1-based): chr14:75,017,089, G duplicated on the plus strand (C on the coding strand, the reverse complement: MLH3 is on the minus strand); the first of 2 consecutive G bases (chr14:75,017,089-75,017,090); duplicating either gives the same sequence. VCF-style (leftmost placement, unchanged base first): chr14-75017088-T-TG. GRCh37 (hg19) VCF-style: chr14-75483791-T-TG.
Other names: c.4355dupC (NM_001040108.1); c.4283dup, p.Pro1429fs (NM_014381.3); short protein forms P1429fs, P1453fs.
Identifiers: ClinVar variation 4860129 (VCV004860129.1).